The following is an entry in ClinVar:

NM_002880.4(RAF1):c.1463G>A (p.Gly488Asp)

Gene: RAF1 (Raf-1 proto-oncogene, serine/threonine kinase; minus strand). Cytogenetic location: 3p25.2.
Variant type: single nucleotide variant.
Coding change: c.1463G>A on transcript NM_002880.4 (MANE Select); coding-DNA position 1463, G replaced by A.
Protein change: p.Gly488Asp; replaces glycine 488 with aspartic acid.
Molecular consequence: missense variant. On other transcripts: non-coding transcript variant (3).
Genome position (GRCh38, 1-based): chr3:12,585,754, C>T on the plus strand (G>A on the coding strand, the complement: RAF1 is on the minus strand). VCF-style: chr3-12585754-C-T. GRCh37 (hg19) VCF-style: chr3-12627253-C-T.
Other names: c.1523G>A, p.Gly508Asp (NM_001354689.3); c.1463G>A, p.Gly488Asp (NM_001354690.3); c.1220G>A, p.Gly407Asp (NM_001354691.3, NM_001354692.3); c.1364G>A, p.Gly455Asp (NM_001354693.3); c.1280G>A, p.Gly427Asp (NM_001354694.3); c.1121G>A, p.Gly374Asp (NM_001354695.3); short protein forms G407D, G508D, G427D, G488D, G374D, G455D.
Identifiers: ClinVar variation 842131 (VCV000842131.8), dbSNP rs865862568, ClinGen allele CA351499132.
Genomic context (GRCh38, chr3:12,585,754, plus strand): 5'-GAGCCAGTAGGTTGTTCAACCTGCTGAGAACCACTCCAGCGTGACTTTACTGTTGCCAAA[C>T]CAAAATCTCCAATTTTCACTGTTAAGCCTTCATGGAGAAATATATCTCAATGCTTGTTAA-3'
Protein context (NP_002871.1, residues 478-498): EGLTVKIGDF[Gly488Asp]LATVKSRWSG

ClinVar aggregate classification (germline): Uncertain significance. Review status: criteria provided, multiple submitters, no conflicts (2 of 4 stars). 2 submissions from 2 submitters: Uncertain significance (2). Last evaluated 2024-12-26.

Conditions:
RASopathy. Also called: rasopathies; Noonan spectrum disorder. Identifiers: Orphanet 536391, MedGen C5555857, MONDO:0021060.
LEOPARD syndrome 2 (LPRD2). Also called: RAF1-Related LEOPARD Syndrome. Identifiers: Orphanet 500, MedGen C1969056, MONDO:0012691, OMIM 611554.
Dilated cardiomyopathy 1NN. Identifiers: Orphanet 154, MedGen C4014656, MONDO:0014396, OMIM 615916.
Noonan syndrome 5 (NS5). Also called: RAF1-Related Noonan Syndrome. Identifiers: Orphanet 648, MedGen C1969057, MONDO:0012690, OMIM 611553. Disease mechanism: gain of function.

Allele frequency attached by ClinVar (database versions not stated): gnomAD exomes below 0.00001.
gnomAD v4.1: 1 of 1,614,120 alleles (0.000062%); highest among the groups gnomAD compares: Admixed American, 0.0017%; no homozygotes.

Submissions (2):

Labcorp Genetics (formerly Invitae), Labcorp
Classification: Uncertain significance for RASopathy. Last evaluated: 2024-12-26. Review status: criteria provided, single submitter. Criteria: Invitae Variant Classification Sherloc (09022015). Collection method: clinical testing. Allele origin: germline.
Comment: This sequence change replaces glycine, which is neutral and non-polar, with aspartic acid, which is acidic and polar, at codon 488 of the RAF1 protein (p.Gly488Asp). This variant is not present in population databases (gnomAD no frequency). This variant has not been reported in the literature in individuals affected with RAF1-related conditions. ClinVar contains an entry for this variant (Variation ID: 842131). Invitae Evidence Modeling incorporating data from in vitro experimental studies (internal data) indicates that this missense variant is not expected to disrupt RAF1 function with a negative predictive value of 95%. In summary, the available evidence is currently insufficient to determine the role of this variant in disease. Therefore, it has been classified as a Variant of Uncertain Significance.

Fulgent Genetics
Classification: Uncertain significance for Noonan syndrome 5; LEOPARD syndrome 2; Dilated cardiomyopathy 1NN. Last evaluated: 2021-11-01. Review status: criteria provided, single submitter. Criteria: ACMG Guidelines, 2015. Collection method: clinical testing. Allele origin: unknown.